The following is an entry in ClinVar:

ClinVar aggregate classification (germline): Pathogenic (1 of 4 stars; one submission).

Submission:

Ambry Genetics
Classification: Pathogenic. Last evaluated: 2026-05-08. Review status: criteria provided, single submitter. Criteria: Ambry Variant Classification Scheme 2023. Collection method: clinical testing. Allele origin: germline.
Comment: The c.4602delT (p.M1535Wfs*5) alteration, located in exon 9 (coding exon 8) of the ZFHX3 gene, consists of a deletion of one nucleotide at position 4602, causing a translational frameshift with a predicted alternate stop codon after 5 amino acids. This variant is expected to result in loss of function by premature protein truncation or nonsense-mediated mRNA decay. This variant was not reported in population-based cohorts in the Genome Aggregation Database (gnomAD). Based on the available evidence, this alteration is classified as pathogenic.

NM_006885.4(ZFHX3):c.4602del (p.Met1535fs)

Genes: ZFHX3 (zinc finger homeobox 3; minus strand), ZFHX3-AS1 (ZFHX3 antisense RNA 1; plus strand). Cytogenetic location: 16q22.2.
Variant type: Deletion.
Coding change: c.4602del on transcript NM_006885.4 (MANE Select); coding-DNA position 4602, one base deleted (T; older notation c.4602delT).
Protein change: p.Met1535fs; shifts the reading frame from methionine 1535.
Molecular consequence: frameshift variant.
Genome position (GRCh38, 1-based): chr16:72,798,080, A deleted on the plus strand (T on the coding strand, the reverse complement: ZFHX3 is on the minus strand). VCF-style (leftmost placement, unchanged base first): chr16-72798079-TA-T. GRCh37 (hg19) VCF-style: chr16-72831978-TA-T.
Other names: c.1860del, p.Met621fs (NM_001164766.2); c.4602del, p.Met1535fs (NM_001386735.1); short protein forms M1535fs, M621fs.
Identifiers: ClinVar variation 4866888 (VCV004866888.1).